The following is an entry in ClinVar:

ClinVar aggregate classification (germline): Likely pathogenic. Review status: reviewed by expert panel (3 of 4 stars). 5 submissions from 5 submitters: Likely pathogenic (1). 4 of the submissions do not count toward it. Last evaluated 2025-10-15.

Conditions:
Cerebral creatine deficiency syndrome. Also called: Creatine deficiency syndromes. Identifiers: Orphanet 79172, MedGen C5244016, MONDO:0000456.
Deficiency of guanidinoacetate methyltransferase (CCDS2). Also called: CEREBRAL CREATINE DEFICIENCY SYNDROME 2; GAMT DEFICIENCY; Guanidinoacetate Methyltransferase (GAMT) Deficiency. Identifiers: Orphanet 382, MedGen C0574080, MONDO:0012999, OMIM 612736.

Submissions (5):

ClinGen Cerebral Creatine Deficiency Syndromes Variant Curation Expert Panel, ClinGen
Classification: Likely pathogenic for Deficiency of guanidinoacetate methyltransferase. Last evaluated: 2025-10-15. Review status: reviewed by expert panel. Criteria: ClinGen CCDS ACMG Specifications GAMT V2.0.0. Collection method: curation. Allele origin: germline. Inheritance: Autosomal recessive inheritance.
Comment: The NM_000156.6:c.220G>C variant in GAMT is predicted to result in a missense substitution of alanine by proline at amino acid 74 (p.Ala74Pro). This variant has been identified in two unrelated probands with clinical features consistent with GAMT deficiency; one with absent creatine peak on MRS, the other with deficient GAMT activity. Both had urine guanidinoacetate levels 1.1 - 12 times above the upper limit of reference range, but specific values for each patient were not provided (PMID: 24415674) (PP4_Moderate). One of these individuals was reported to be compound heterozygous, phase unconfirmed, for the variant and another variant in GAMT that has been classified as pathogenic by the ClinGen CCDS VCEP, c.327G>A (ClinVar Variation ID: 21065) (0.5 points) and another patient was homozygous for the variant (0.5 points) (PMID: 24415674) Total 1 point (PM3). The highest population minor allele frequency in gnomAD v4.1.0. is 0.0000033945 (4/1178374 alleles) in the European non-Finnish population, which is lower than the ClinGen CCDS VCEP’s threshold for PM2_Supporting (<0.0004), meeting this criterion (PM2_Supporting). The computational predictor REVEL gives a score of 0.930 which is in the range of 0.773-0.932, evidence that correlates with impact to GAMT function at the moderate level (PMID: 36413997) (PP3_Moderate). This variant was shown to result in undetectable GAMT enzymatic activity when transfected into GAMT-deficient fibroblasts (PMID: 24415674) (PS3_Supporting). In summary, this variant meets criteria to be classified as likely pathogenic for guanidinoacetate methyltransferase deficiency. GAMT-specific ACMG/AMP criteria applied, as specified by the ClinGen Cerebral Creatine Deficiencies Variant Curation Expert Panel (CCDS VCEP) (Specifications version 1.1.0): PM3, PP3_Moderate, PP4_Moderate PS3_Supporting, PM2_Supporting. (Classification approved by the ClinGen Cerebral Creatine Deficiencies Variant Curation Expert Panel on October 15, 2025)

GeneDx
Classification: Likely pathogenic. Last evaluated: 2025-08-05. Review status: criteria provided, single submitter. Criteria: GeneDx Variant Classification Process June 2021. Collection method: clinical testing. Allele origin: germline. Affected: yes. Not counted in ClinVar's aggregate classification.
Comment: Published functional studies found this variant is associated with significantly reduced enzyme activity and expression (PMID: 24415674); In silico analysis supports that this missense variant has a deleterious effect on protein structure/function; Not observed at significant frequency in large population cohorts (gnomAD); This variant is associated with the following publications: (PMID: 24415674)

Natera, Inc.
Classification: Likely pathogenic for Guanidinoacetate methyltransferase deficiency. Last evaluated: 2024-05-14. Review status: criteria provided, single submitter. Criteria: Natera Variant Classification Schema (03/2026). Collection method: clinical testing. Allele origin: germline. Not counted in ClinVar's aggregate classification.
Comment: The c.220G>C variant in GAMT is a missense variant predicted to cause substitution of alanine to proline at amino acid 74. This variant is rare in the general population with a frequency below the threshold expected for the associated phenotype(s). This variant has been observed in one or more individuals affected with the associated recessive disease, as either homozygous or compound heterozygous with a second variant (PMID: 24415674). This variant has been identified in one or more affected individual with a phenotype highly consistent with the associated gene (PMID: 24415674). Functional studies show that this variant may disrupt protein function (PMID: 24415674). Computational prediction algorithms indicate this variant is likely to affect gene or protein function. Given the available evidence, this variant is classified as Likely Pathogenic.

Fulgent Genetics
Classification: Likely pathogenic for Deficiency of guanidinoacetate methyltransferase. Last evaluated: 2024-02-14. Review status: criteria provided, single submitter. Criteria: ACMG Guidelines, 2015. Collection method: clinical testing. Allele origin: germline. Not counted in ClinVar's aggregate classification.

Labcorp Genetics (formerly Invitae), Labcorp
Classification: Pathogenic for Cerebral creatine deficiency syndrome. Last evaluated: 2023-11-06. Review status: criteria provided, single submitter. Criteria: Invitae Variant Classification Sherloc (09022015). Collection method: clinical testing. Allele origin: germline. Not counted in ClinVar's aggregate classification.
Comment: This sequence change replaces alanine, which is neutral and non-polar, with proline, which is neutral and non-polar, at codon 74 of the GAMT protein (p.Ala74Pro). This variant is not present in population databases (gnomAD no frequency). This missense change has been observed in individual(s) with guanidinoacetate methyltransferase (GAMT) deficiency (PMID: 24415674; Invitae). In at least one individual the data is consistent with being in trans (on the opposite chromosome) from a pathogenic variant. ClinVar contains an entry for this variant (Variation ID: 2446457). Advanced modeling of protein sequence and biophysical properties (such as structural, functional, and spatial information, amino acid conservation, physicochemical variation, residue mobility, and thermodynamic stability) has been performed at Invitae for this missense variant, however the output from this modeling did not meet the statistical confidence thresholds required to predict the impact of this variant on GAMT protein function. Experimental studies have shown that this missense change affects GAMT function (PMID: 24415674). For these reasons, this variant has been classified as Pathogenic.

Literature cited by the submitters: PubMed 24415674 (cited by 3 submitters).

NM_000156.6(GAMT):c.220G>C (p.Ala74Pro)

Gene: GAMT (guanidinoacetate N-methyltransferase; minus strand). Cytogenetic location: 19p13.3.
Variant type: single nucleotide variant.
Coding change: c.220G>C on transcript NM_000156.6 (MANE Select); coding-DNA position 220, G replaced by C.
Protein change: p.Ala74Pro; replaces alanine 74 with proline.
Molecular consequence: missense variant.
Genome position (GRCh38, 1-based): chr19:1,399,900, C>G on the plus strand (G>C on the coding strand, the complement: GAMT is on the minus strand). VCF-style: chr19-1399900-C-G. GRCh37 (hg19) VCF-style: chr19-1399899-C-G.
Other names: NM_138924.3:c.220G>C; c.220G>C, p.Ala74Pro (NM_138924.3); c.220G>C (NM_000156.4, NM_000156.5); short protein forms A74P.
Identifiers: ClinVar variation 2446457 (VCV002446457.10), dbSNP rs749284008, ClinGen allele CA402997017.